The following is an entry in ClinVar:

NM_003136.4(SRP54):c.1122_1132dup (p.Ile378delinsAsnTer)

Gene: SRP54 (signal recognition particle 54; plus strand). Cytogenetic location: 14q13.2.
Variant type: Duplication.
Coding change: c.1122_1132dup on transcript NM_003136.4 (MANE Select); coding-DNA positions 1122 to 1132, 11 bases duplicated (ATTAATGACAA).
Protein change: p.Ile378delinsAsnTer.
Molecular consequence: nonsense.
Genome position (GRCh38, 1-based): chr14:35,019,040-35,019,050, ATTAATGACAA duplicated; duplicating any 11 consecutive bases within chr14:35,019,038-35,019,050 gives the same sequence; the c. name uses the placement nearest the transcript's 3' end. VCF-style (leftmost placement, unchanged base first): chr14-35019037-G-GAAATTAATGAC. GRCh37 (hg19) VCF-style: chr14-35488243-G-GAAATTAATGAC.
Other names: c.975_985dup, p.Ile329delinsAsnTer (NM_001146282.2).
Identifiers: ClinVar variation 1700957 (VCV001700957.2), dbSNP rs2139017176, ClinGen allele CA2580088048.

ClinVar aggregate classification (germline): Uncertain significance (1 of 4 stars; one submission).

Submission:

GeneDx
Classification: Uncertain significance. Last evaluated: 2022-02-11. Review status: criteria provided, single submitter. Criteria: GeneDx Variant Classification Process June 2021. Collection method: clinical testing. Allele origin: germline. Affected: yes.
Comment: Not observed at significant frequency in large population cohorts (gnomAD); Frameshift variant predicted to result in protein truncation or nonsense mediated decay in a gene for which loss-of-function is not a known mechanism of disease; Has not been previously published as pathogenic or benign to our knowledge